The following is an entry in ClinVar:

ClinVar aggregate classification (germline): Pathogenic. Review status: criteria provided, multiple submitters, no conflicts (2 of 4 stars). 3 submissions from 3 submitters: Pathogenic (3). Last evaluated 2025-05-26.

Conditions:
Enhanced S-cone syndrome (ESCS). Identifiers: Orphanet 53540, MedGen C1849394, MONDO:0100288, MONDO:0009989.

Submissions (3):

Natera, Inc.
Classification: Pathogenic for Enhanced S cone syndrome. Last evaluated: 2025-05-26. Review status: criteria provided, single submitter. Criteria: Natera Variant Classification Schema (03/2026). Collection method: clinical testing. Allele origin: germline.
Comment: The c.119-2A>G variant in NR2E3 is a canonical splice acceptor site variant predicted to affect pre-mRNA splicing, which may result in an abnormal transcript and altered protein product. This variant is expected to result in nonsense mediated decay, truncation, or a dysfunctional protein product. This variant is rare in the general population with a frequency below the threshold expected for the associated phenotype(s). Another variant at this same site results in an alteration predicted to cause a similar molecular effect has been observed in individual(s) with the associated phenotype. Given the available evidence, this variant is classified as Pathogenic.

Baylor Genetics
Classification: Pathogenic for ENHANCED S-CONE SYNDROME 1. Last evaluated: 2023-10-25. Review status: criteria provided, single submitter. Criteria: ACMG Guidelines, 2015. Collection method: clinical testing. Allele origin: unknown.

Labcorp Genetics (formerly Invitae), Labcorp
Classification: Pathogenic. Last evaluated: 2023-09-06. Review status: criteria provided, single submitter. Criteria: Invitae Variant Classification Sherloc (09022015). Collection method: clinical testing. Allele origin: germline.
Comment: This sequence change affects an acceptor splice site in intron 1 of the NR2E3 gene. It is expected to disrupt RNA splicing. Variants that disrupt the donor or acceptor splice site typically lead to a loss of protein function (PMID: 16199547), and loss-of-function variants in NR2E3 are known to be pathogenic (PMID: 15459973, 27522502). This variant is not present in population databases (gnomAD no frequency). Disruption of this splice site has been observed in individual(s) with autosomal recessive enhanced S-cone syndrome (PMID: 10655056, 24474277, 25079116). It has also been observed to segregate with disease in related individuals. ClinVar contains an entry for this variant (Variation ID: 1361677). Studies have shown that disruption of this splice site alters mRNA splicing and is expected to lead to the loss of protein expression (PMID: 18294254). For these reasons, this variant has been classified as Pathogenic.

Literature cited by the submitters: PubMed 16199547 (cited by Labcorp Genetics (formerly Invitae), Labcorp); PubMed 15459973 (cited by Labcorp Genetics (formerly Invitae), Labcorp); PubMed 27522502 (cited by Labcorp Genetics (formerly Invitae), Labcorp); PubMed 10655056 (cited by Labcorp Genetics (formerly Invitae), Labcorp); PubMed 24474277 (cited by Labcorp Genetics (formerly Invitae), Labcorp); PubMed 25079116 (cited by Labcorp Genetics (formerly Invitae), Labcorp); PubMed 18294254 (cited by Labcorp Genetics (formerly Invitae), Labcorp).

NM_014249.4(NR2E3):c.119-2A>G

Gene: NR2E3 (nuclear receptor subfamily 2 group E member 3; plus strand). Cytogenetic location: 15q23.
Variant type: single nucleotide variant.
Coding change: c.119-2A>G on transcript NM_014249.4 (MANE Select); the canonical splice acceptor site of the intron before coding-DNA position 119, A replaced by G.
Molecular consequence: splice acceptor variant.
Genome position (GRCh38, 1-based): chr15:71,811,481, A>G. VCF-style: chr15-71811481-A-G. GRCh37 (hg19) VCF-style: chr15-72103821-A-G.
Other names: c.119-2A>G (NM_016346.4, NM_014249.3).
Identifiers: ClinVar variation 1361677 (VCV001361677.9), dbSNP rs2723341, ClinGen allele CA393031925.